The following is an entry in ClinVar:

NR_023343.3(RNU4ATAC):n.32C>T

Genes: CLASP1 (cytoplasmic linker associated protein 1; minus strand), CLASP1-AS1 (CLASP1 antisense RNA 1; plus strand), RNU4ATAC (RNA, U4atac small nuclear; plus strand). Cytogenetic location: 2q14.2.
Variant type: single nucleotide variant.
Molecular consequence: intron variant (on NM_001395891.1).
Genome position: GRCh38 VCF-style: chr2-121530911-C-T. GRCh37 (hg19) VCF-style: chr2-122288487-C-T.
Other names: c.196-586G>A (NM_001142274.2, NM_015282.3, NM_001378003.1 and 5 more transcripts).
Identifiers: ClinVar variation 1407996 (VCV001407996.5), dbSNP rs549457414, ClinGen allele CA1854689.
Genomic context (GRCh38, chr2:121,530,911, plus strand): 5'-CTGCTTGCAGCCCAGGGACTTTCTATTATAACCATCCTTTTCTTGGGGTTGCGCTACTGT[C>T]CAATGAGCGCATAGTGAGGGCAGTACTGCTAACGCCTGAACAACACACCCGCATCAACTA-3'

ClinVar aggregate classification (germline): Uncertain significance. Review status: criteria provided, multiple submitters, no conflicts (2 of 4 stars). 2 submissions from 2 submitters: Uncertain significance (2). Last evaluated 2026-06-28.

Conditions:
Autosomal dominant Robinow syndrome 2. Identifiers: Orphanet 3107, Orphanet 97360, MedGen C4225363, MONDO:0014591, OMIM 616331.

Allele frequency attached by ClinVar (database versions not stated): gnomAD exomes 0.00008.
gnomAD v4.1: 66 of 699,168 alleles (0.0094%); highest among the groups gnomAD compares: Middle Eastern, 0.037%; no homozygotes.

Submissions (2):

Allergy and Clinical Immunology Service, Hospital Nacional Edgardo Rebagliati Martins
Classification: Uncertain significance for Autosomal dominant Robinow syndrome 2. Last evaluated: 2026-06-28. Review status: criteria provided, single submitter. Criteria: ACMG Guidelines, 2015. Collection method: clinical testing. Allele origin: germline. Inheritance: Autosomal recessive inheritance. Affected: yes.
Comment: Non-coding variant in RNU4ATAC (U4atac snRNA, minor spliceosome) located in the 5′ stem-loop region, which includes the 15.5K-binding site important for spliceosome assembly and harbors many disease-associated RNU4ATAC variants. It is present in population databases (gnomAD ~0.03%) and has not been reported in affected individuals. The available evidence is currently insufficient to determine its role in disease.

Labcorp Genetics (formerly Invitae), Labcorp
Classification: Uncertain significance. Last evaluated: 2025-11-09. Review status: criteria provided, single submitter. Criteria: Invitae Variant Classification Sherloc (09022015). Collection method: clinical testing. Allele origin: germline.
Comment: This variant occurs in the RNU4ATAC gene, which encodes an RNA molecule that does not result in a protein product. This variant is present in population databases (rs549457414, gnomAD 0.03%). This variant has not been reported in the literature in individuals affected with RNU4ATAC-related conditions. ClinVar contains an entry for this variant (Variation ID: 1407996). This variant is located within the 5' stem-loop region of the RNU4ATAC RNA, which includes the 15.5K binding site and is important for spliceosome assembly (PMID: 32628740). A significant number of disease-associated RNU4ATAC variants are found in this region (PMID: 32628740, 30368667). In summary, the available evidence is currently insufficient to determine the role of this variant in disease. Therefore, it has been classified as a Variant of Uncertain Significance.

Literature cited by the submitters: PubMed 32628740 (cited by Allergy and Clinical Immunology Service, Hospital Nacional Edgardo Rebagliati Martins and Labcorp Genetics (formerly Invitae), Labcorp); PubMed 30368667 (cited by Labcorp Genetics (formerly Invitae), Labcorp).